The following is an entry in ClinVar:

NM_020458.4(TTC7A):c.635A>C (p.Gln212Pro)

Genes: TTC7A (tetratricopeptide repeat domain 7A; plus strand), LOC126806211 (CDK7 strongly-dependent group 2 enhancer GRCh37_chr2:47201305-47202504; plus strand). Cytogenetic location: 2p21.
Variant type: single nucleotide variant.
Coding change: c.635A>C on transcript NM_020458.4 (MANE Select); coding-DNA position 635, A replaced by C.
Protein change: p.Gln212Pro; replaces glutamine 212 with proline.
Molecular consequence: missense variant. On other transcripts: 5 prime UTR variant (1).
Genome position (GRCh38, 1-based): chr2:46,975,090, A>C. VCF-style: chr2-46975090-A-C. GRCh37 (hg19) VCF-style: chr2-47202229-A-C.
Other names: c.635A>C, p.Gln212Pro (NM_001288951.2); c.533A>C, p.Gln178Pro (NM_001288953.2); c.-270A>C (NM_001288955.2); short protein forms Q212P, Q178P.
Identifiers: ClinVar variation 864019 (VCV000864019.2), dbSNP rs145134902, ClinGen allele CA1647277.

ClinVar aggregate classification (germline): Uncertain significance. Review status: criteria provided, multiple submitters, no conflicts (2 of 4 stars). 2 submissions from 2 submitters: Uncertain significance (2). Last evaluated 2024-11-07.

Conditions:
Multiple gastrointestinal atresias. Also called: FAMILIAL INTESTINAL POLYATRESIA SYNDROME; Multiple intestinal atresia. Identifiers: Orphanet 2300, MedGen C0220744, MONDO:0009465.

Allele frequency attached by ClinVar (database versions not stated): TOPMed 0.00001; gnomAD exomes 0.00005; ExAC 0.00007.
gnomAD v4.1: 29 of 1,613,686 alleles (0.0018%); highest among the groups gnomAD compares: South Asian, 0.029%; 1 homozygote.

Submissions (2):

Blueprint Genetics
Classification: Uncertain significance. Last evaluated: 2024-11-07. Review status: criteria provided, single submitter. Criteria: ACMG Guidelines, 2015. Collection method: clinical testing. Allele origin: germline.

Labcorp Genetics (formerly Invitae), Labcorp
Classification: Uncertain significance for Multiple gastrointestinal atresias. Last evaluated: 2019-02-26. Review status: criteria provided, single submitter. Criteria: Invitae Variant Classification Sherloc (09022015). Collection method: clinical testing. Allele origin: germline.
Comment: This sequence change replaces glutamine with proline at codon 212 of the TTC7A protein (p.Gln212Pro). The glutamine residue is highly conserved and there is a moderate physicochemical difference between glutamine and proline. This variant is present in population databases (rs145134902, ExAC 0.04%). This variant has not been reported in the literature in individuals with TTC7A-related conditions. Algorithms developed to predict the effect of missense changes on protein structure and function are either unavailable or do not agree on the potential impact of this missense change (SIFT: "Deleterious"; PolyPhen-2: "Probably Damaging"; Align-GVGD: "Class C0"). In summary, the available evidence is currently insufficient to determine the role of this variant in disease. Therefore, it has been classified as a Variant of Uncertain Significance.